The following is an entry in ClinVar:

NM_003626.5(PPFIA1):c.1297-4_1297-3dup

Gene: PPFIA1 (PTPRF interacting protein alpha 1; plus strand). Cytogenetic location: 11q13.3.
Variant type: Duplication.
Coding change: c.1297-4_1297-3dup on transcript NM_003626.5 (MANE Select); 4 bases into the intron before coding-DNA position 1297 through 3 bases into the intron before coding-DNA position 1297, 2 bases duplicated (TT; older notation c.1297-4_1297-3dupTT).
Molecular consequence: intron variant.
Genome position (GRCh38, 1-based): chr11:70,335,559-70,335,560, TT duplicated; duplicating any 2 consecutive bases within chr11:70,335,558-70,335,560 gives the same sequence; the c. name uses the placement nearest the transcript's 3' end. VCF-style (leftmost placement, unchanged base first): chr11-70335557-C-CTT. GRCh37 (hg19) VCF-style: chr11-70181663-C-CTT.
Other names: c.1372-4_1372-3dup (NM_001378006.1); c.1297-4_1297-3dup (NM_177423.3).
Identifiers: ClinVar variation 3048351 (VCV003048351.2), dbSNP rs1445564751, ClinGen allele CA600024675.

ClinVar aggregate classification (germline): Likely benign (0 of 4 stars; one submission).

Conditions:
PPFIA1-related disorder. Also called: PPFIA1-related condition.

Submission:

PreventionGenetics, part of Exact Sciences
Classification: Likely benign for PPFIA1-related condition. Last evaluated: 2019-12-23. Review status: no assertion criteria provided. Collection method: clinical testing. Allele origin: germline.
Comment: This variant is classified as likely benign based on ACMG/AMP sequence variant interpretation guidelines (Richards et al. 2015 PMID: 25741868, with internal and published modifications).